The following is an entry in ClinVar:

NM_018344.6(SLC29A3):c.946TTC[1] (p.Phe317del)

Gene: SLC29A3 (solute carrier family 29 member 3; plus strand). Cytogenetic location: 10q22.1.
Variant type: Microsatellite.
Coding change: c.946TTC[1] on transcript NM_018344.6 (MANE Select); one copy of the 3-base unit TTC starting at c.946; the reference has two copies in a row; one copy, 3 bases deleted.
Protein change: p.Phe317del; deletes phenylalanine 317.
Molecular consequence: inframe deletion. On other transcripts: 3 prime UTR variant (1), non-coding transcript variant (2).
Genome position (GRCh38, 1-based): chr10:71,362,129-71,362,131, TTC deleted; deleting any 3 consecutive bases within chr10:71,362,124-71,362,131 gives the same sequence; the position shown is the placement nearest the transcript's 3' end. VCF-style (leftmost placement, unchanged base first): chr10-71362123-GTCT-G. GRCh37 (hg19) VCF-style: chr10-73121880-GTCT-G.
Other names: c.*175TTC[1] (NM_001174098.2); c.712TTC[1], p.Phe239del (NM_001363518.2); short protein forms F239del, F317del.
Identifiers: ClinVar variation 2776179 (VCV002776179.3), dbSNP rs2492504737, ClinGen allele CA2609558661.

ClinVar aggregate classification (germline): Uncertain significance (1 of 4 stars; one submission).

Conditions:
H syndrome. Also called: Pigmented hypertrichosis and insulin-dependent diabetes mellitus; HISTIOCYTOSIS AND LYMPHADENOPATHY WITH OR WITHOUT CUTANEOUS, CARDIAC, AND/OR ENDOCRINE FEATURES, JOINT CONTRACTURES, AND/OR DEAFNESS; HYPERPIGMENTATION, CUTANEOUS, WITH HYPERTRICHOSIS, HEPATOSPLENOMEGALY, HEART ANOMALIES, AND HYPOGONADISM WITH OR WITHOUT HEARING LOSS; PIGMENTED HYPERTRICHOSIS WITH INSULIN-DEPENDENT DIABETES MELLITUS; ROSAI-DORFMAN DISEASE, FAMILIAL; SINUS HISTIOCYTOSIS AND MASSIVE LYMPHADENOPATHY. Identifiers: Orphanet 168569, MedGen C1864445, MONDO:0011273, OMIM 602782.

Submission:

Labcorp Genetics (formerly Invitae), Labcorp
Classification: Uncertain significance for H syndrome. Last evaluated: 2023-01-24. Review status: criteria provided, single submitter. Criteria: Invitae Variant Classification Sherloc (09022015). Collection method: clinical testing. Allele origin: germline.
Comment: In summary, the available evidence is currently insufficient to determine the role of this variant in disease. Therefore, it has been classified as a Variant of Uncertain Significance. Experimental studies and prediction algorithms are not available or were not evaluated, and the functional significance of this variant is currently unknown. This variant has not been reported in the literature in individuals affected with SLC29A3-related conditions. This variant is not present in population databases (gnomAD no frequency). This variant, c.949_951del, results in the deletion of 1 amino acid(s) of the SLC29A3 protein (p.Phe317del), but otherwise preserves the integrity of the reading frame.